The following is an entry in ClinVar:

NM_003640.5(ELP1):c.3395G>T (p.Ser1132Ile)

Gene: ELP1 (elongator acetyltransferase complex subunit 1; minus strand). Cytogenetic location: 9q31.3.
Variant type: single nucleotide variant.
Coding change: c.3395G>T on transcript NM_003640.5 (MANE Select); coding-DNA position 3395, G replaced by T.
Protein change: p.Ser1132Ile; replaces serine 1132 with isoleucine.
Molecular consequence: missense variant.
Genome position (GRCh38, 1-based): chr9:108,880,117, C>A on the plus strand (G>T on the coding strand, the complement: ELP1 is on the minus strand). VCF-style: chr9-108880117-C-A. GRCh37 (hg19) VCF-style: chr9-111642397-C-A.
Other names: c.3053G>T, p.Ser1018Ile (NM_001318360.2); c.2348G>T, p.Ser783Ile (NM_001330749.2); short protein forms S1018I, S1132I, S783I.
Identifiers: ClinVar variation 1800267 (VCV001800267.2), dbSNP rs1827868975, ClinGen allele CA374412391.

ClinVar aggregate classification (germline): Uncertain significance (1 of 4 stars; one submission).

Allele frequency attached by ClinVar (database versions not stated): gnomAD 0.00001; TOPMed 0.00001.
gnomAD v4.1: 1 of 1,614,038 alleles (0.000062%); highest among the groups gnomAD compares: Admixed American, 0.0017%; no homozygotes.

Submission:

Ambry Genetics
Classification: Uncertain significance. Last evaluated: 2020-02-11. Review status: criteria provided, single submitter. Criteria: Ambry Variant Classification Scheme 2023. Collection method: clinical testing. Allele origin: germline.
Comment: The p.S1132I variant (also known as c.3395G>T), located in coding exon 31 of the IKBKAP gene, results from a G to T substitution at nucleotide position 3395. The serine at codon 1132 is replaced by isoleucine, an amino acid with dissimilar properties. This amino acid position is not well conserved in available vertebrate species, and isoleucine is the reference amino acid in other vertebrate species. In addition, this alteration is predicted to be tolerated by in silico analysis. Since supporting evidence is limited at this time, the clinical significance of this alteration remains unclear.